The following is an entry in ClinVar:

ClinVar aggregate classification (germline): Likely benign. Review status: criteria provided, multiple submitters, no conflicts (2 of 4 stars). 3 submissions from 3 submitters: Likely benign (2). 1 of the submissions does not count toward it. Last evaluated 2026-02-02.

Conditions:
DNAH11-related disorder. Also called: DNAH11-related condition.
Primary ciliary dyskinesia. Also called: Ciliary dyskinesia. Identifiers: Orphanet 244, MedGen C0008780, MONDO:0016575, HP:0012265.

Allele frequency attached by ClinVar (database versions not stated): ExAC 0.00002.
gnomAD v4.1: 43 of 1,613,706 alleles (0.0027%); highest among the groups gnomAD compares: Non-Finnish European, 0.0036%; no homozygotes.

Submissions (3):

Labcorp Genetics (formerly Invitae), Labcorp
Classification: Likely benign for Primary ciliary dyskinesia. Last evaluated: 2026-02-02. Review status: criteria provided, single submitter. Criteria: Invitae Variant Classification Sherloc (09022015). Collection method: clinical testing. Allele origin: germline.

Ambry Genetics
Classification: Likely benign for Primary ciliary dyskinesia. Last evaluated: 2025-12-16. Review status: criteria provided, single submitter. Criteria: Ambry Variant Classification Scheme 2023. Collection method: clinical testing. Allele origin: germline.

PreventionGenetics, part of Exact Sciences
Classification: Likely benign for DNAH11-related condition. Last evaluated: 2019-05-07. Review status: no assertion criteria provided. Collection method: clinical testing. Allele origin: germline. Not counted in ClinVar's aggregate classification.
Comment: This variant is classified as likely benign based on ACMG/AMP sequence variant interpretation guidelines (Richards et al. 2015 PMID: 25741868, with internal and published modifications).

NM_001277115.2(DNAH11):c.5845C>A (p.Arg1949=)

Gene: DNAH11 (dynein axonemal heavy chain 11; plus strand). Cytogenetic location: 7p15.3.
Variant type: single nucleotide variant.
Coding change: c.5845C>A on transcript NM_001277115.2 (MANE Select); coding-DNA position 5845, C replaced by A.
Protein change: p.Arg1949=; no amino-acid change (arginine 1949 retained).
Molecular consequence: synonymous variant.
Genome position (GRCh38, 1-based): chr7:21,687,448, C>A. VCF-style: chr7-21687448-C-A. GRCh37 (hg19) VCF-style: chr7-21727066-C-A.
Other names: c.5845C>A (NM_001277115.1).
Identifiers: ClinVar variation 1093997 (VCV001093997.12), dbSNP rs372143147, ClinGen allele CA4180576.